The following is an entry in ClinVar:

ClinVar aggregate classification (germline): Uncertain significance (1 of 4 stars; one submission).

gnomAD v4.1: 2 of 1,614,204 alleles (0.00012%); highest among the groups gnomAD compares: Non-Finnish European, 0.00017%; no homozygotes.

Submission:

Labcorp Genetics (formerly Invitae), Labcorp
Classification: Uncertain significance. Last evaluated: 2024-02-11. Review status: criteria provided, single submitter. Criteria: Invitae Variant Classification Sherloc (09022015). Collection method: clinical testing. Allele origin: germline.
Comment: This sequence change replaces tyrosine, which is neutral and polar, with cysteine, which is neutral and slightly polar, at codon 1676 of the FLNB protein (p.Tyr1676Cys). This variant is not present in population databases (gnomAD no frequency). This variant has not been reported in the literature in individuals affected with FLNB-related conditions. Advanced modeling of protein sequence and biophysical properties (such as structural, functional, and spatial information, amino acid conservation, physicochemical variation, residue mobility, and thermodynamic stability) has been performed at Invitae for this missense variant, however the output from this modeling did not meet the statistical confidence thresholds required to predict the impact of this variant on FLNB protein function. In summary, the available evidence is currently insufficient to determine the role of this variant in disease. Therefore, it has been classified as a Variant of Uncertain Significance.

NM_001457.4(FLNB):c.5027A>G (p.Tyr1676Cys)

Gene: FLNB (filamin B; plus strand). Cytogenetic location: 3p14.3.
Variant type: single nucleotide variant.
Coding change: c.5027A>G on transcript NM_001457.4 (MANE Select); coding-DNA position 5027, A replaced by G.
Protein change: p.Tyr1676Cys; replaces tyrosine 1676 with cysteine.
Molecular consequence: missense variant.
Genome position (GRCh38, 1-based): chr3:58,138,447, A>G. VCF-style: chr3-58138447-A-G. GRCh37 (hg19) VCF-style: chr3-58124174-A-G.
Other names: c.5120A>G, p.Tyr1707Cys (NM_001164317.2); c.5027A>G, p.Tyr1676Cys (NM_001164318.2, NM_001164319.2); short protein forms Y1707C, Y1676C.
Identifiers: ClinVar variation 3668983 (VCV003668983.2).
Genomic context (GRCh38, chr3:58,138,447, plus strand): 5'-ATGGCACTGAGGCCGAGGCCGATGTCATTGAGAATGAAGATGGAACCTATGACATCTTCT[A>G]CACAGCTGCCAAGCCGGGCACATATGTGATCTATGTGCGCTTCGGTGGTGTTGATATTCC-3'
Protein context (NP_001448.2, residues 1666-1686): ENEDGTYDIF[Tyr1676Cys]TAAKPGTYVI